The following is an entry in ClinVar:

NM_001164508.2(NEB):c.17069A>G (p.Asp5690Gly)

Gene: NEB (nebulin; minus strand). Cytogenetic location: 2q23.3.
Variant type: single nucleotide variant.
Coding change: c.17069A>G on transcript NM_001164508.2 (MANE Select); coding-DNA position 17069, A replaced by G.
Protein change: p.Asp5690Gly; replaces aspartic acid 5690 with glycine.
Molecular consequence: missense variant.
Genome position (GRCh38, 1-based): chr2:151,570,546, T>C on the plus strand (A>G on the coding strand, the complement: NEB is on the minus strand). VCF-style: chr2-151570546-T-C. GRCh37 (hg19) VCF-style: chr2-152427060-T-C.
Other names: c.17069A>G, p.Asp5690Gly (NM_001164507.2, NM_001271208.2); c.11966A>G, p.Asp3989Gly (NM_004543.5); short protein forms D3989G, D5690G.
Identifiers: ClinVar variation 2086684 (VCV002086684.1), dbSNP rs2552196170, ClinGen allele CA348808715.

ClinVar aggregate classification (germline): Uncertain significance (1 of 4 stars; one submission).

Conditions:
Nemaline myopathy 2 (NEM2). Also called: Nemaline myopathy 2, autosomal recessive. Identifiers: MedGen C1850569, MONDO:0009725, OMIM 256030.

Submission:

Labcorp Genetics (formerly Invitae), Labcorp
Classification: Uncertain significance for Nemaline myopathy 2. Last evaluated: 2022-01-17. Review status: criteria provided, single submitter. Criteria: Invitae Variant Classification Sherloc (09022015). Collection method: clinical testing. Allele origin: germline.
Comment: This sequence change replaces aspartic acid, which is acidic and polar, with glycine, which is neutral and non-polar, at codon 5690 of the NEB protein (p.Asp5690Gly). This variant is not present in population databases (gnomAD no frequency). This variant has not been reported in the literature in individuals affected with NEB-related conditions. Algorithms developed to predict the effect of missense changes on protein structure and function are either unavailable or do not agree on the potential impact of this missense change (SIFT: "Deleterious"; PolyPhen-2: "Not Available"; Align-GVGD: "Class C0"). In summary, the available evidence is currently insufficient to determine the role of this variant in disease. Therefore, it has been classified as a Variant of Uncertain Significance.